The following is an entry in ClinVar:

NM_000143.4(FH):c.908T>C (p.Leu303Ser)

Gene: FH (fumarate hydratase; minus strand). Cytogenetic location: 1q43.
Variant type: single nucleotide variant.
Coding change: c.908T>C on transcript NM_000143.4 (MANE Select); coding-DNA position 908, T replaced by C.
Protein change: p.Leu303Ser; replaces leucine 303 with serine.
Molecular consequence: missense variant.
Genome position (GRCh38, 1-based): chr1:241,504,242, A>G on the plus strand (T>C on the coding strand, the complement: FH is on the minus strand). VCF-style: chr1-241504242-A-G. GRCh37 (hg19) VCF-style: chr1-241667542-A-G.
Other names: short protein forms L303S.
Identifiers: ClinVar variation 41584 (VCV000041584.27), dbSNP rs201502246, ClinGen allele CA215563.

ClinVar aggregate classification (germline): Conflicting classifications of pathogenicity. Review status: criteria provided, conflicting classifications (1 of 4 stars). 8 submissions from 8 submitters: Pathogenic (1); Likely pathogenic (1); Uncertain significance (4). 2 of the submissions do not count toward it. Last evaluated 2025-12-22.

Conditions:
Hereditary cancer-predisposing syndrome. Also called: Hereditary Cancer Syndrome; Tumor predisposition; Neoplastic Syndromes, Hereditary; Hereditary neoplastic syndrome. Identifiers: Orphanet 140162, MedGen C0027672, MeSH D009386, MONDO:0015356.
Fumarase deficiency (FMRD). Also called: Fumaric aciduria; Fumarate Hydratase Deficiency. Identifiers: Orphanet 24, MedGen C0342770, MONDO:0011730, OMIM 606812.

Allele frequency attached by ClinVar (database versions not stated): gnomAD 0.00001; gnomAD exomes 0.00005 and 0.00001; TOPMed below 0.00001.
gnomAD v4.1: 65 of 1,613,904 alleles (0.004%); highest among the groups gnomAD compares: Non-Finnish European, 0.0055%; no homozygotes.

Submissions (9):

Labcorp Genetics (formerly Invitae), Labcorp
Classification: Likely pathogenic. Last evaluated: 2025-12-22. Review status: criteria provided, single submitter. Criteria: Invitae Variant Classification Sherloc (09022015). Collection method: clinical testing. Allele origin: germline.
Comment: This sequence change replaces leucine, which is neutral and non-polar, with serine, which is neutral and polar, at codon 303 of the FH protein (p.Leu303Ser). This variant is present in population databases (rs201502246, gnomAD 0.002%). This missense change has been observed in individuals with autosomal recessive fumarase deficiency and/or paraganglioma-pheochromocytoma syndrome (PMID: 22595425, 35821608; internal data). ClinVar contains an entry for this variant (Variation ID: 41584). Invitae Evidence Modeling of protein sequence and biophysical properties (such as structural, functional, and spatial information, amino acid conservation, physicochemical variation, residue mobility, and thermodynamic stability) indicates that this missense variant is expected to disrupt FH protein function with a positive predictive value of 95%. Experimental studies have shown that this missense change does not substantially affect FH function (PMID: 37255402). In summary, the currently available evidence indicates that the variant is pathogenic, but additional data are needed to prove that conclusively. Therefore, this variant has been classified as Likely Pathogenic.

Ambry Genetics
Classification: Pathogenic for Hereditary cancer-predisposing syndrome. Last evaluated: 2025-11-18. Review status: criteria provided, single submitter. Criteria: Ambry Variant Classification Scheme 2023. Collection method: clinical testing. Allele origin: germline.
Comment: The p.L303S variant (also known as c.908T>C), located in coding exon 7 of the FH gene, results from a T to C substitution at nucleotide position 908. The leucine at codon 303 is replaced by serine, an amino acid with dissimilar properties. This variant has also been reported in an individual with an FH-deficient adrenal pheochromocytoma; this individual's father also had a history of renal cell carcinoma (Richter S et al. Genet. Med. 2018 Jul; Fuchs TL et al. Am J Surg Pathol. 2023 Jan;47(1):25-36). This variant is considered to be rare based on population cohorts in the Genome Aggregation Database (gnomAD). Based on internal structural analysis, L303S is more disruptive to the central domain than several nearby internally pathogenic variants (Ambry internal data; Ajalla Aleixo MA et al. FEBS J 2019 05;286(10):1925-1940). This amino acid position is highly conserved in available vertebrate species. In addition, this alteration is predicted to be deleterious by in silico analysis. Based on the supporting evidence, this alteration is interpreted as a disease-causing mutation in association with pheochromocytoma and paraganglioma (PPGL), however its association with other FH-related tumors, such as leiomyomas and renal cell cancer, is uncertain.

Women's Health and Genetics/Laboratory Corporation of America, LabCorp
Classification: Uncertain significance. Last evaluated: 2025-03-04. Review status: criteria provided, single submitter. Criteria: LabCorp Variant Classification Summary - May 2015. Collection method: clinical testing. Allele origin: germline.
Comment: Variant summary: FH c.908T>C (p.Leu303Ser) results in a non-conservative amino acid change located in the Fumarate lyase, N-terminal domain (IPR022761) of the encoded protein sequence. Five of five in-silico tools predict a damaging effect of the variant on protein function. Evidence Modeling of protein sequence and biophysical properties (such as structural, functional, and spatial information, amino acid conservation, physicochemical variation, residue mobility, and thermodynamic stability) indicates that this missense variant is expected to disrupt FH protein function with a positive predictive value of 95% (Internal data). The variant allele was found at a frequency of 4e-05 in 1613904 control chromosomes. This frequency is not significantly higher than estimated for a pathogenic variant in FH causing Autosomal Recessive Fumarate Hydratase Deficiency (4e-05 vs 0.0011) or Autosomal Dominant Hereditary Leiomyomatosis And Renal Cell Cancer (2.5e-06), allowing no conclusion about variant significance. At least one publication reports experimental evidence evaluating an impact on protein function. These results showed no damaging effect on catalytic activity of this variant in vitro (e.g. Wilde_2023) although cultured skin fibroblasts from an individual carrying this variant and another pathogenic variant p.Pro174Arg have 25% of WT fumarase activity (Kimonis_2012). The following publications have been ascertained in the context of this evaluation (PMID: 22595425, 30050099, 37255402). ClinVar contains an entry for this variant (Variation ID: 41584). Based on the evidence outlined above, the variant was classified as VUS-possibly pathogenic.

GeneDx
Classification: Uncertain significance. Last evaluated: 2024-03-04. Review status: criteria provided, single submitter. Criteria: GeneDx Variant Classification Process June 2021. Collection method: clinical testing. Allele origin: germline. Affected: yes.
Comment: Not observed at a significant frequency in large population cohorts (gnomAD); In silico analysis supports that this missense variant has a deleterious effect on protein structure/function; Observed in an individual with a personal history of pheochromocytoma whose tumor demonstrated loss of FH on immunohistochemistry testing and who also had a family history of renal cancer (PMID: 30050099); This variant is associated with the following publications: (PMID: 22595425, 22703879, 20549362, 30761759, 33052056, 35821608, 35993574, 36773955, 30050099)

Mayo Clinic Laboratories, Mayo Clinic
Classification: Uncertain significance. Last evaluated: 2022-11-09. Review status: criteria provided, single submitter. Criteria: ACMG Guidelines, 2015. Collection method: clinical testing. Allele origin: germline. Observed: 1 variant allele.
Comment: PP3, PM2

Sema4
Classification: Uncertain significance for Hereditary cancer-predisposing syndrome. Last evaluated: 2021-05-03. Review status: criteria provided, single submitter. Criteria: Sema4 Curation Guidelines. Collection method: curation. Allele origin: germline.
Comment: The FH c.908T>C (p.L303S) variant has been reported in an individual with mild fumarase deficiency (PMID 22595425), in 1 individual with adrenal phaeochromocytoma (PMID 30050099), and 1 individual in a ClinSeq study with an atherosclerosis phenotype (PMID 22703879). This variant was observed in 3/128488 chromosomes in the Non-Finnish European subpopulation of the Genome Aggregation Database (PMID: 32461654). The variant has been reported in Clinvar (Variation ID 41584). In silico tools suggest the impact of the variant on protein function to be deleterious, although these predictions have not been confirmed by functional studies. The overall evidence is insufficient to meet ACMG/AMP criteria for classifying it as benign or pathogenic. Thus, the clinical significance of this variant is currently uncertain.

Natera, Inc.
Classification: Uncertain significance for Fumarase Deficiency. Last evaluated: 2021-08-10. Review status: no assertion criteria provided. Collection method: clinical testing. Allele origin: germline. Not counted in ClinVar's aggregate classification.

Biesecker Lab/Clinical Genomics Section, National Institutes of Health
Classification: Uncertain significance. Last evaluated: 2012-07-13. Review status: no assertion criteria provided. Collection method: research. Allele origin: germline. Affected: no. Observed: 1 variant allele. Study: ClinSeq. Not counted in ClinVar's aggregate classification.
ClinVar note: Converted during submission from variant of unknown significance to Uncertain significance.

Blake Wilde Laboratory, Roswell Park Comprehensive Cancer Center
No classification provided (evidence only). Condition: Hereditary leiomyomatosis and renal cell cancer. Review status: no classification provided. Collection method: in vitro. Allele origin: not applicable. Functional consequence: functionally normal. Not counted in ClinVar's aggregate classification.

Literature cited by the submitters: PubMed 22595425 (cited by 5 submitters); PubMed 35821608 (cited by Labcorp Genetics (formerly Invitae), Labcorp); PubMed 37255402 (cited by Labcorp Genetics (formerly Invitae), Labcorp and Women's Health and Genetics/Laboratory Corporation of America, LabCorp); PubMed 30050099 (cited by 4 submitters); PubMed 30761759 (cited by Ambry Genetics); PubMed 35993574 (cited by Ambry Genetics); PubMed 36773955 (cited by Ambry Genetics).